The following is an entry in ClinVar:

ClinVar aggregate classification (germline): Conflicting classifications of pathogenicity. Review status: criteria provided, conflicting classifications (1 of 4 stars). 2 submissions from 2 submitters: Pathogenic (1); Uncertain significance (1). Last evaluated 2026-02-01.

Conditions:
Hereditary cancer-predisposing syndrome. Also called: Hereditary Cancer Syndrome; Tumor predisposition; Neoplastic Syndromes, Hereditary; Hereditary neoplastic syndrome. Identifiers: Orphanet 140162, MedGen C0027672, MeSH D009386, MONDO:0015356.
Cardiovascular phenotype. Identifiers: MedGen CN230736.
Neurofibromatosis, type 1 (NF1). Also called: Neurofibromatosis, type I; NEUROFIBROMATOSIS, TYPE I, SOMATIC; Peripheral type neurofibromatosis; VON RECKLINGHAUSEN DISEASE. Identifiers: Orphanet 636, MedGen C0027831, MONDO:0018975, OMIM 162200. Disease mechanism: loss of function.

Submissions (2):

Labcorp Genetics (formerly Invitae), Labcorp
Classification: Pathogenic for Neurofibromatosis, type 1. Last evaluated: 2026-02-01. Review status: criteria provided, single submitter. Criteria: Invitae Variant Classification Sherloc (09022015). Collection method: clinical testing. Allele origin: germline.
Comment: This sequence change replaces threonine, which is neutral and polar, with isoleucine, which is neutral and non-polar, at codon 1191 of the NF1 protein (p.Thr1191Ile). This variant is not present in population databases (gnomAD no frequency). This variant has not been reported in the literature in individuals affected with NF1-related conditions. Invitae Evidence Modeling of clinical and family history, age, sex, and reported ancestry of multiple individuals with this NF1 variant has been performed. This variant is expected to be pathogenic with a positive predictive value of at least 99%. This is a validated machine learning model that incorporates the clinical features of 1,785,918 individuals referred to our laboratory for NF1 testing. ClinVar contains an entry for this variant (Variation ID: 2047617). Invitae Evidence Modeling of protein sequence and biophysical properties (such as structural, functional, and spatial information, amino acid conservation, physicochemical variation, residue mobility, and thermodynamic stability) indicates that this missense variant is expected to disrupt NF1 protein function with a positive predictive value of 95%. This variant disrupts the p.Thr1191 amino acid residue in NF1. Other variant(s) that disrupt this residue have been determined to be pathogenic (PMID: 23047742, 25541118). This suggests that this residue is clinically significant, and that variants that disrupt this residue are likely to be disease-causing. For these reasons, this variant has been classified as Pathogenic.

Ambry Genetics
Classification: Uncertain significance for Cardiovascular phenotype; Hereditary cancer-predisposing syndrome. Last evaluated: 2024-08-16. Review status: criteria provided, single submitter. Criteria: Ambry Variant Classification Scheme 2023. Collection method: clinical testing. Allele origin: germline.
Comment: The p.T1191I variant (also known as c.3572C>T), located in coding exon 27 of the NF1 gene, results from a C to T substitution at nucleotide position 3572. The threonine at codon 1191 is replaced by isoleucine, an amino acid with similar properties. This amino acid position is highly conserved in available vertebrate species. In addition, this alteration is predicted to be deleterious by in silico analysis. Based on the available evidence, the clinical significance of this variant remains unclear.

Literature cited by the submitters: PubMed 23047742 (cited by Labcorp Genetics (formerly Invitae), Labcorp); PubMed 25541118 (cited by Labcorp Genetics (formerly Invitae), Labcorp).

NM_001042492.3(NF1):c.3572C>T (p.Thr1191Ile)

Gene: NF1 (neurofibromin 1; plus strand). Cytogenetic location: 17q11.2.
Variant type: single nucleotide variant.
Coding change: c.3572C>T on transcript NM_001042492.3 (MANE Select); coding-DNA position 3572, C replaced by T.
Protein change: p.Thr1191Ile; replaces threonine 1191 with isoleucine.
Molecular consequence: missense variant.
Genome position (GRCh38, 1-based): chr17:31,233,077, C>T. VCF-style: chr17-31233077-C-T. GRCh37 (hg19) VCF-style: chr17-29560095-C-T.
Other names: c.3572C>T, p.Thr1191Ile (NM_000267.4); short protein forms T1191I.
Identifiers: ClinVar variation 2047617 (VCV002047617.5), dbSNP rs2151435462, ClinGen allele CA398990110.